The following is an entry in ClinVar:

ClinVar aggregate classification (germline): Uncertain significance (1 of 4 stars; one submission).

Submission:

Labcorp Genetics (formerly Invitae), Labcorp
Classification: Uncertain significance. Last evaluated: 2024-01-08. Review status: criteria provided, single submitter. Criteria: Invitae Variant Classification Sherloc (09022015). Collection method: clinical testing. Allele origin: germline.
Comment: This variant, c.5575_5577del, results in the deletion of 1 amino acid(s) of the MYH7B protein (p.Lys1859del), but otherwise preserves the integrity of the reading frame. This variant is present in population databases (rs748415537, gnomAD 0.0009%). This variant has not been reported in the literature in individuals affected with MYH7B-related conditions. Experimental studies and prediction algorithms are not available or were not evaluated, and the functional significance of this variant is currently unknown. In summary, the available evidence is currently insufficient to determine the role of this variant in disease. Therefore, it has been classified as a Variant of Uncertain Significance.

NM_020884.7(MYH7B):c.5446AAG[1] (p.Lys1817del)

Gene: MYH7B (myosin heavy chain 7B; plus strand). Cytogenetic location: 20q11.22.
Variant type: Microsatellite.
Coding change: c.5446AAG[1] on transcript NM_020884.7 (MANE Select); one copy of the 3-base unit AAG starting at c.5446; the reference has two copies in a row; one copy, 3 bases deleted.
Protein change: p.Lys1817del; deletes lysine 1817.
Molecular consequence: inframe deletion.
Genome position (GRCh38, 1-based): chr20:35,001,132-35,001,134, AAG deleted; deleting any 3 consecutive bases within chr20:35,001,128-35,001,134 gives the same sequence; the position shown is the placement nearest the transcript's 3' end. VCF-style (leftmost placement, unchanged base first): chr20-35001127-GGAA-G. GRCh37 (hg19) VCF-style: chr20-33588930-GGAA-G.
Other names: short protein forms K1817del.
Identifiers: ClinVar variation 2708231 (VCV002708231.3), dbSNP rs748415537, ClinGen allele CA9828562.
Genomic context (GRCh38, chr20:35,001,127, plus strand): 5'-AGACGGTGCGCGAGCTCCAGGCCCGCCTTGAGGAGGCAGAACAGGCCGCCCTCCGTGGCG[GGAA>G]GAAGCAGGTGCAGAAGCTGGAGGCCAAGGTGTGTGCAGCCCCTCTAGTCCTTGGCGCAGG-3'